The following is an entry in ClinVar:

NM_001042492.3(NF1):c.5668G>T (p.Gly1890Cys)

Gene: NF1 (neurofibromin 1; plus strand). Cytogenetic location: 17q11.2.
Variant type: single nucleotide variant.
Coding change: c.5668G>T on transcript NM_001042492.3 (MANE Select); coding-DNA position 5668, G replaced by T.
Protein change: p.Gly1890Cys; replaces glycine 1890 with cysteine.
Molecular consequence: missense variant.
Genome position (GRCh38, 1-based): chr17:31,330,354, G>T. VCF-style: chr17-31330354-G-T. GRCh37 (hg19) VCF-style: chr17-29657372-G-T.
Other names: c.5605G>T, p.Gly1869Cys (NM_000267.4); short protein forms G1869C, G1890C.
Identifiers: ClinVar variation 663647 (VCV000663647.8), dbSNP rs1597834706, ClinGen allele CA399010217.

ClinVar aggregate classification (germline): Conflicting classifications of pathogenicity. Review status: criteria provided, conflicting classifications (1 of 4 stars). 3 submissions from 3 submitters: Pathogenic (1); Likely pathogenic (1); Uncertain significance (1). Last evaluated 2023-02-02.

Conditions:
NF1-related disorder. Also called: NF1-related condition. Identifiers: MedGen CN379171.
Neurofibromatosis, type 1 (NF1). Also called: VON RECKLINGHAUSEN DISEASE; NEUROFIBROMATOSIS, TYPE I, SOMATIC; Peripheral type neurofibromatosis; Neurofibromatosis, type I. Identifiers: Orphanet 636, MedGen C0027831, MONDO:0018975, OMIM 162200. Disease mechanism: loss of function.

Submissions (3):

PreventionGenetics, part of Exact Sciences
Classification: Uncertain significance for NF1-related condition. Last evaluated: 2023-02-02. Review status: criteria provided, single submitter. Criteria: ACMG Guidelines, 2015. Collection method: clinical testing. Allele origin: germline.
Comment: The NF1 c.5668G>T variant is predicted to result in the amino acid substitution p.Gly1890Cys. To our knowledge, this variant has not been reported in the literature or in a large population database, indicating this variant is rare. Of note, different missense variants affecting this residue have been reported as de novo in an individual with neurofibromatosis type 1 (p.Gly1869Arg in Table S1 - Yao et al. 2019. PubMed ID: 31717729) and de novo or inherited from an affected parent in individuals with features overlapping Noonan syndrome (p.Gly1869Val in Drury et al. 2015. PubMed ID: 26275891 and Demir et al. 2022. PubMed ID: 35418823). Although we suspect this variant may be pathogenic, at this time, the clinical significance of this variant is uncertain due to the absence of conclusive functional and genetic evidence.

Labcorp Genetics (formerly Invitae), Labcorp
Classification: Pathogenic for Neurofibromatosis, type 1. Last evaluated: 2022-08-15. Review status: criteria provided, single submitter. Criteria: Invitae Variant Classification Sherloc (09022015). Collection method: clinical testing. Allele origin: germline.
Comment: This sequence change replaces glycine, which is neutral and non-polar, with cysteine, which is neutral and slightly polar, at codon 1869 of the NF1 protein (p.Gly1869Cys). This variant is not present in population databases (gnomAD no frequency). For these reasons, this variant has been classified as Pathogenic. This variant disrupts the p.Gly1869 amino acid residue in NF1. Other variant(s) that disrupt this residue have been determined to be pathogenic (PMID: 23656349, 26275891; Invitae). This suggests that this residue is clinically significant, and that variants that disrupt this residue are likely to be disease-causing. Advanced modeling of protein sequence and biophysical properties (such as structural, functional, and spatial information, amino acid conservation, physicochemical variation, residue mobility, and thermodynamic stability) performed at Invitae indicates that this missense variant is expected to disrupt NF1 protein function. ClinVar contains an entry for this variant (Variation ID: 663647). This missense change has been observed in individual(s) with clinical features of neurofibromatosis type 1 (Invitae). In at least one individual the variant was observed to be de novo.

Juno Genomics, Hangzhou Juno Genomics, Inc
Classification: Likely pathogenic for Neurofibromatosis, type 1. Review status: criteria provided, single submitter. Criteria: ACMG Guidelines, 2015. Collection method: clinical testing. Allele origin: germline. Affected: yes.
Comment: Absent from controls (or at extremely low frequency if recessive) in Genome Aggregation Database, Exome Sequencing Project, 1000 Genomes Project, or Exome Aggregation Consortium.;Novel missense change at an amino acid residue where a different missense change determined to be pathogenic has been seen before.;Multiple lines of computational evidence support a deleterious effect on the gene or gene product (conservation, evolutionary, splicing impact, etc).;Missense variant in a gene that has a low rate of benign missense variation and where missense variants are a common mechanism of disease.;Assumed de novo, but without confirmation of paternity and maternity.

Literature cited by the submitters: PubMed 23656349 (cited by Labcorp Genetics (formerly Invitae), Labcorp); PubMed 26275891 (cited by Labcorp Genetics (formerly Invitae), Labcorp).